The following is an entry in ClinVar:

NM_000285.4(PEPD):c.986T>C (p.Met329Thr)

Gene: PEPD (peptidase D; minus strand). Cytogenetic location: 19q13.11.
Variant type: single nucleotide variant.
Coding change: c.986T>C on transcript NM_000285.4 (MANE Select); coding-DNA position 986, T replaced by C.
Protein change: p.Met329Thr; replaces methionine 329 with threonine.
Molecular consequence: missense variant.
Genome position (GRCh38, 1-based): chr19:33,391,461, A>G on the plus strand (T>C on the coding strand, the complement: PEPD is on the minus strand). VCF-style: chr19-33391461-A-G. GRCh37 (hg19) VCF-style: chr19-33882367-A-G.
Other names: c.863T>C, p.Met288Thr (NM_001166056.2); c.794T>C, p.Met265Thr (NM_001166057.2); short protein forms M329T, M265T, M288T.
Identifiers: ClinVar variation 1949174 (VCV001949174.2), dbSNP rs755165324, ClinGen allele CA9364030.

ClinVar aggregate classification (germline): Uncertain significance (1 of 4 stars; one submission).

Allele frequency attached by ClinVar (database versions not stated): gnomAD 0.00001; gnomAD exomes 0.00001; TOPMed 0.00002.
gnomAD v4.1: 23 of 1,551,416 alleles (0.0015%); highest among the groups gnomAD compares: Non-Finnish European, 0.0019%; no homozygotes.

Submission:

Labcorp Genetics (formerly Invitae), Labcorp
Classification: Uncertain significance. Last evaluated: 2022-02-19. Review status: criteria provided, single submitter. Criteria: Invitae Variant Classification Sherloc (09022015). Collection method: clinical testing. Allele origin: germline.
Comment: This sequence change replaces methionine, which is neutral and non-polar, with threonine, which is neutral and polar, at codon 329 of the PEPD protein (p.Met329Thr). This variant is present in population databases (rs755165324, gnomAD 0.002%). This variant has not been reported in the literature in individuals affected with PEPD-related conditions. Algorithms developed to predict the effect of missense changes on protein structure and function (SIFT, PolyPhen-2, Align-GVGD) all suggest that this variant is likely to be disruptive. In summary, the available evidence is currently insufficient to determine the role of this variant in disease. Therefore, it has been classified as a Variant of Uncertain Significance.